The following is an entry in ClinVar:

NM_001018115.3(FANCD2):c.2725G>A (p.Gly909Arg)

Genes: FANCD2 (FA complementation group D2; plus strand), LOC107303338 (3p25 FANCD2 Alu-mediated recombination region; plus strand). Cytogenetic location: 3p25.3.
Variant type: single nucleotide variant.
Coding change: c.2725G>A on transcript NM_001018115.3 (MANE Select); coding-DNA position 2725, G replaced by A.
Protein change: p.Gly909Arg; replaces glycine 909 with arginine.
Molecular consequence: missense variant.
Genome position (GRCh38, 1-based): chr3:10,074,539, G>A. VCF-style: chr3-10074539-G-A. GRCh37 (hg19) VCF-style: chr3-10116223-G-A.
Other names: c.2725G>A, p.Gly909Arg (NM_001319984.2, NM_001374254.1, NM_033084.6); c.2614G>A, p.Gly872Arg (NM_001374253.1); short protein forms G909R, G872R.
Identifiers: ClinVar variation 2863840 (VCV002863840.3), dbSNP rs2469996784, ClinGen allele CA351744023.
Genomic context (GRCh38, chr3:10,074,539, plus strand): 5'-ATTAATATAGAAGATTTATATATTCTCTTTGTTGCTGTGACTTCCCCATAGGAGTTCACA[G>A]GGAAGGAAGAAAAGACATCATTGTTACTACATAATTCCCATGCTTTTTTCCGAGAGCTGG-3'
Protein context (NP_001018125.1, residues 899-919): HRGQLNKEFT[Gly909Arg]KEEKTSLLLH

ClinVar aggregate classification (germline): Uncertain significance (1 of 4 stars; one submission).

Conditions:
Fanconi anemia (FA). Also called: Fanconi's anemia. Identifiers: Orphanet 84, MedGen C0015625, MeSH D005199, MONDO:0019391.

Submission:

Labcorp Genetics (formerly Invitae), Labcorp
Classification: Uncertain significance for Fanconi anemia. Last evaluated: 2023-05-13. Review status: criteria provided, single submitter. Criteria: Invitae Variant Classification Sherloc (09022015). Collection method: clinical testing. Allele origin: germline.
Comment: In summary, the available evidence is currently insufficient to determine the role of this variant in disease. Therefore, it has been classified as a Variant of Uncertain Significance. Advanced modeling of protein sequence and biophysical properties (such as structural, functional, and spatial information, amino acid conservation, physicochemical variation, residue mobility, and thermodynamic stability) performed at Invitae indicates that this missense variant is not expected to disrupt FANCD2 protein function. This variant has not been reported in the literature in individuals affected with FANCD2-related conditions. This variant is not present in population databases (gnomAD no frequency). This sequence change replaces glycine, which is neutral and non-polar, with arginine, which is basic and polar, at codon 909 of the FANCD2 protein (p.Gly909Arg).